The following is an entry in ClinVar:

NM_016120.4(RLIM):c.290C>G (p.Ser97Cys)

Gene: RLIM (ring finger protein, LIM domain interacting; minus strand). Cytogenetic location: Xq13.2.
Variant type: single nucleotide variant.
Coding change: c.290C>G on transcript NM_016120.4 (MANE Select); coding-DNA position 290, C replaced by G.
Protein change: p.Ser97Cys; replaces serine 97 with cysteine.
Molecular consequence: missense variant.
Genome position (GRCh38, 1-based): chrX:74,593,025, G>C on the plus strand (C>G on the coding strand, the complement: RLIM is on the minus strand). VCF-style: chrX-74593025-G-C. GRCh37 (hg19) VCF-style: chrX-73812860-G-C.
Other names: c.290C>G, p.Ser97Cys (NM_183353.3); short protein forms S97C.
Identifiers: ClinVar variation 3370149 (VCV003370149.1).

ClinVar aggregate classification (germline): Uncertain significance (1 of 4 stars; one submission).

Submission:

GeneDx
Classification: Uncertain significance. Last evaluated: 2023-12-21. Review status: criteria provided, single submitter. Criteria: GeneDx Variant Classification Process June 2021. Collection method: clinical testing. Allele origin: germline. Affected: yes.
Comment: Not observed at significant frequency in large population cohorts (gnomAD); In silico analysis supports that this missense variant has a deleterious effect on protein structure/function; Has not been previously published as pathogenic or benign to our knowledge